The following is an entry in ClinVar:

ClinVar aggregate classification (germline): Likely pathogenic (1 of 4 stars; one submission).

Conditions:
CDC42-related disorder. Also called: CDC42-related condition; CDC42-related disorders.

Submission:

Rady Children's Institute for Genomic Medicine, Rady Children's Hospital San Diego
Classification: Likely pathogenic for CDC42-related disorders. Review status: criteria provided, single submitter. Criteria: ACMG Guidelines, 2015. Collection method: clinical testing. Allele origin: germline. Affected: yes.
Comment: This frameshift variant is found in the last exon of CDC42 and is not predicted to trigger nonsense-mediated mRNA decay. The c.552dup (p.Ser185GlufsTer29) variant has not been previously reported or functionally characterized in the literature to our knowledge. However, missense variants at neighboring residues and a stoploss variant located downstream of the c.552dup (p.Ser185GlufsTer29) variant have been reported in individuals with NOCARH syndrome in the literature (PMID: 31601675, 31271789, 32424669). This variant is absent from the gnomAD population database and thus presumed to be rare. Analysis of the parental samples was negative for the variant, indicating this variant likely occurred as a de novo event. Based on the available evidence, the c.552dup (p.Ser185GlufsTer29) variant is classified as Likely Pathogenic.

NM_001791.4(CDC42):c.552dup (p.Ser185fs)

Gene: CDC42 (cell division cycle 42; plus strand). Cytogenetic location: 1p36.12.
Variant type: Duplication.
Coding change: c.552dup on transcript NM_001791.4 (MANE Select); coding-DNA position 552, one base duplicated (G; older notation c.552dupG).
Protein change: p.Ser185fs; shifts the reading frame from serine 185.
Molecular consequence: frameshift variant.
Genome position (GRCh38, 1-based): chr1:22,091,493, G duplicated. VCF-style (leftmost placement, unchanged base first): chr1-22091492-A-AG. GRCh37 (hg19) VCF-style: chr1-22417985-A-AG.
Other names: c.552dup, p.Ser185fs (NM_001039802.2); short protein forms S185fs.
Identifiers: ClinVar variation 2584437 (VCV002584437.1), dbSNP rs2522255949, ClinGen allele CA2582341896.
Genomic context (GRCh38, chr1:22,091,492, plus strand): 5'-GCCTAAAGAATGTATTTGACGAAGCAATATTGGCTGCCCTGGAGCCTCCAGAACCGAAGA[A>AG]GAGCCGCAGGTGTGTGCTGCTATGAACATCTCTCCAGAGCCCTTTCTGCACAGCTGGTGT-3'